The following is an entry in ClinVar:

NM_001875.5(CPS1):c.3944G>A (p.Trp1315Ter)

Gene: CPS1 (carbamoyl-phosphate synthase 1; plus strand). Cytogenetic location: 2q34.
Variant type: single nucleotide variant.
Coding change: c.3944G>A on transcript NM_001875.5 (MANE Select); coding-DNA position 3944, G replaced by A.
Protein change: p.Trp1315Ter; replaces tryptophan 1315 with a stop codon.
Molecular consequence: nonsense. On other transcripts: non-coding transcript variant (2).
Genome position (GRCh38, 1-based): chr2:210,663,139, G>A. VCF-style: chr2-210663139-G-A. GRCh37 (hg19) VCF-style: chr2-211527863-G-A.
Other names: c.3944G>A, p.Trp1315Ter (NM_001122633.3, NM_001369257.1); c.3977G>A, p.Trp1326Ter (NM_001369256.1); short protein forms W1315*, W1326*.
Identifiers: ClinVar variation 1725444 (VCV001725444.2), dbSNP rs2469339987, ClinGen allele CA350439271.
Genomic context (GRCh38, chr2:210,663,139, plus strand): 5'-TTCCCTCACATAATTTTTCTCCCTGTTTTTTTTTTTTCCAACAGGCTCCCATGTTTTCCT[G>A]GCCCCGGTTGAGGGATGCTGACCCCATTCTGAGATGTGAGATGGCTTCCACTGGAGAGGT-3'

ClinVar aggregate classification (germline): Likely pathogenic (1 of 4 stars; one submission).

Conditions:
Congenital hyperammonemia, type I. Also called: Carbamoyl phosphate synthetase 1 deficiency; Hyperammonemia due to carbamoyl phosphate synthetase 1 deficiency; CPS 1 deficiency; Carbamyl phosphate synthetase (CPS) deficiency; CPS I DEFICIENCY; Carbamoyl-phosphate synthase I deficiency. Identifiers: Orphanet 147, MedGen C4082171, MONDO:0009376, OMIM 237300.

Submission:

Myriad Genetics, Inc.
Classification: Likely pathogenic for Congenital hyperammonemia, type I. Last evaluated: 2022-03-21. Review status: criteria provided, single submitter. Criteria: Myriad Women's Health Autosomal Recessive and X-Linked Classification Criteria (2021). Collection method: clinical testing. Allele origin: unknown.
Comment: NM_001875.4(CPS1):c.3944G>A(W1315*) is expected to be pathogenic in the context of carbamoylphosphate synthetase I deficiency. This variant is predicted to lead to an abnormal or absent protein product due to the creation of a premature termination codon in CPS1, a gene where loss-of-function variants are known to be pathogenic. Please note: this variant was assessed in the context of healthy population screening.